The following is an entry in ClinVar:

ClinVar aggregate classification (germline): Benign/Likely benign. Review status: criteria provided, multiple submitters, no conflicts (2 of 4 stars). 9 submissions from 9 submitters: Benign (4); Likely benign (5). Last evaluated 2026-01-15.

Conditions:
Inborn genetic diseases. Identifiers: MedGen C0950123, MeSH D030342.
Charcot-Marie-Tooth disease. Also called: Charcot-Marie-Tooth Hereditary Neuropathy; Charcot-Marie-Tooth Neuropathy. Identifiers: Orphanet 166, MedGen C0007959, MONDO:0015626.
Charcot-Marie-Tooth disease type 4. Also called: Charcot-Marie-Tooth, Type 4; Charcot-Marie-Tooth disease, type IV. Identifiers: Orphanet 64749, MedGen C4082197, MONDO:0018995.

Allele frequency attached by ClinVar (database versions not stated): gnomAD exomes 0.00063; ExAC 0.00075; ESP Exome Variant Server 0.00208; gnomAD 0.00244 and 0.00259; TOPMed 0.00257; 1000 Genomes Project 0.00319; 1000 Genomes Project 30x 0.00422.
gnomAD v4.1: 710 of 1,604,746 alleles (0.044%); highest among the groups gnomAD compares: African/African-American, 0.86%; 2 homozygotes.

Submissions (9):

Labcorp Genetics (formerly Invitae), Labcorp
Classification: Benign for Charcot-Marie-Tooth disease type 4. Last evaluated: 2026-01-15. Review status: criteria provided, single submitter. Criteria: Invitae Variant Classification Sherloc (09022015). Collection method: clinical testing. Allele origin: germline.

Athena Diagnostics
Classification: Benign. Last evaluated: 2025-01-14. Review status: criteria provided, single submitter. Criteria: Athena Diagnostics Criteria. Collection method: clinical testing. Allele origin: unknown.
Comment: The frequency of this variant in the general population is higher than would generally be expected for pathogenic variants in this gene. Computational tools yielded predictions that this variant is unlikely to have an effect on normal RNA splicing. This nucleotide position exhibits low evolutionary conservation.

ARUP Laboratories, Molecular Genetics and Genomics, ARUP Laboratories
Classification: Benign. Last evaluated: 2024-08-02. Review status: criteria provided, single submitter. Criteria: ARUP Molecular Germline Variant Investigation Process 2024. Collection method: clinical testing. Allele origin: germline.

Blueprint Genetics
Classification: Likely benign. Last evaluated: 2024-07-23. Review status: criteria provided, single submitter. Criteria: ACMG Guidelines, 2015. Collection method: clinical testing. Allele origin: germline.

Ambry Genetics
Classification: Likely benign for Inborn genetic diseases. Last evaluated: 2019-07-11. Review status: criteria provided, single submitter. Criteria: Ambry Variant Classification Scheme 2023. Collection method: clinical testing. Allele origin: germline.

GeneDx
Classification: Likely benign. Last evaluated: 2017-10-05. Review status: criteria provided, single submitter. Criteria: GeneDx Variant Classification (06012015). Collection method: clinical testing. Allele origin: germline. Affected: yes.
Comment: This variant is considered likely benign or benign based on one or more of the following criteria: it is a conservative change, it occurs at a poorly conserved position in the protein, it is predicted to be benign by multiple in silico algorithms, and/or has population frequency not consistent with disease.

Eurofins Ntd Llc (ga)
Classification: Benign. Last evaluated: 2016-08-26. Review status: criteria provided, single submitter. Criteria: EGL Classification Definitions 2015. Collection method: clinical testing. Allele origin: germline. Observed: 1 variant allele, 1 heterozygote.

Breakthrough Genomics
Classification: Likely benign. Review status: criteria provided, single submitter. Criteria: ACMG Guidelines, 2015. Collection method: not provided. Allele origin: germline. Inheritance: Autosomal recessive inheritance. Affected: yes.

Molecular Genetics Laboratory, London Health Sciences Centre
Classification: Likely benign for Charcot-Marie-Tooth disease. Review status: criteria provided, single submitter. Criteria: ACMG Guidelines, 2015. Collection method: clinical testing. Allele origin: germline. Affected: yes.

NM_181882.3(PRX):c.2043C>T (p.Pro681=)

Gene: PRX (periaxin; minus strand). Cytogenetic location: 19q13.2.
Variant type: single nucleotide variant.
Coding change: c.2043C>T on transcript NM_181882.3 (MANE Select); coding-DNA position 2043, C replaced by T.
Protein change: p.Pro681=; no amino-acid change (proline 681 retained).
Molecular consequence: synonymous variant. On other transcripts: 3 prime UTR variant (1).
Genome position (GRCh38, 1-based): chr19:40,396,309, G>A on the plus strand (C>T on the coding strand, the complement: PRX is on the minus strand). VCF-style: chr19-40396309-G-A. GRCh37 (hg19) VCF-style: chr19-40902216-G-A.
Other names: c.*2248C>T (NM_020956.2).
Identifiers: ClinVar variation 289454 (VCV000289454.22), dbSNP rs56743160, ClinGen allele CA9444132.
Genomic context (GRCh38, chr19:40,396,309, plus strand): 5'-CACGGCCATTTCAGGCACCTTGGGGAGTTTCATCTCTGAGACTTTTGGCAGCTGCACCTC[G>A]GGGAGTCGAACCTCTGGCACAGCCATCTCAGGCATTTTAGGGAGTTTCATCTCTGGGACT-3'
Protein context (NP_870998.2, residues 671-691): PEMAVPEVRL[Pro681=]EVQLPKVSEM